The following is an entry in ClinVar:

ClinVar aggregate classification (germline): Uncertain significance (1 of 4 stars; one submission).

gnomAD v4.1: 2 of 1,404,784 alleles (0.00014%); highest among the groups gnomAD compares: Non-Finnish European, 0.00019%; no homozygotes.

Submission:

GeneDx
Classification: Uncertain significance. Last evaluated: 2023-06-29. Review status: criteria provided, single submitter. Criteria: GeneDx Variant Classification Process June 2021. Collection method: clinical testing. Allele origin: germline.
Comment: Canonical splice site variant in a gene or region of a gene for which loss of function is not a well-established mechanism of disease; Not observed at significant frequency in large population cohorts (gnomAD); Has not been previously published as pathogenic or benign to our knowledge; Variants in candidate genes are classified as variants of uncertain significance in accordance with ACMG guidelines (Richards et al., 2015)

NM_032531.4(KIRREL3):c.591+1G>A

Gene: KIRREL3 (kirre like nephrin family adhesion molecule 3; minus strand). Cytogenetic location: 11q24.2.
Variant type: single nucleotide variant.
Coding change: c.591+1G>A on transcript NM_032531.4 (MANE Select); the canonical splice donor site of the intron after coding-DNA position 591, G replaced by A.
Molecular consequence: splice donor variant.
Genome position (GRCh38, 1-based): chr11:126,473,308, C>T on the plus strand (G>A on the coding strand, the complement: KIRREL3 is on the minus strand). VCF-style: chr11-126473308-C-T. GRCh37 (hg19) VCF-style: chr11-126343203-C-T.
Other names: c.591+1G>A (NM_001441257.1, NM_001441258.1, NM_001441261.1 and 8 more transcripts); c.441+1G>A (NM_001441262.1); c.699+1G>A (NM_001441252.1); c.549+1G>A (NM_001441260.1, NM_001441259.1, NM_001441255.1).
Identifiers: ClinVar variation 4891375 (VCV004891375.1).